The following is an entry in ClinVar:

ClinVar aggregate classification (germline): Pathogenic (1 of 4 stars; one submission).

Submission:

CeGaT Center for Human Genetics Tuebingen
Classification: Pathogenic. Last evaluated: 2023-05-01. Review status: criteria provided, single submitter. Criteria: CeGaT Center For Human Genetics Tuebingen Variant Classification Criteria Version 2. Collection method: clinical testing. Allele origin: germline. Affected: yes. Observed: 1 variant allele.
Comment: TLK2: PVS1, PM2

NM_006852.6(TLK2):c.1726dup (p.Ile576fs)

Gene: TLK2 (tousled like kinase 2; plus strand). Cytogenetic location: 17q23.2.
Variant type: Duplication.
Coding change: c.1726dup on transcript NM_006852.6 (MANE Select); coding-DNA position 1726, one base duplicated (A; older notation c.1726dupA).
Protein change: p.Ile576fs; shifts the reading frame from isoleucine 576.
Molecular consequence: frameshift variant.
Genome position (GRCh38, 1-based): chr17:62,602,047, A duplicated. VCF-style (leftmost placement, unchanged base first): chr17-62602046-T-TA. GRCh37 (hg19) VCF-style: chr17-60679407-T-TA.
Other names: c.1630dup, p.Ile544fs (NM_001375272.1, NM_001284363.1); c.1279dup, p.Ile427fs (NM_001375273.1, NM_001330418.3); c.1441dup, p.Ile481fs (NM_001411074.1); c.1792dup, p.Ile598fs (NM_001284333.3); c.1768dup, p.Ile590fs (NM_001375269.1); c.1726dup, p.Ile576fs (NM_001375270.1, NM_001375271.1); short protein forms I427fs, I481fs, I544fs, I576fs, I590fs, I598fs.
Identifiers: ClinVar variation 2570996 (VCV002570996.27), dbSNP rs2546025428, ClinGen allele CA2580613212.